The following is an entry in ClinVar:

ClinVar aggregate classification (germline): Uncertain significance (1 of 4 stars; one submission).

Conditions:
Retinoblastoma (RB1). Also called: RETINOBLASTOMA, SOMATIC. Identifiers: Orphanet 790, MedGen C0035335, MeSH D012175, MONDO:0008380, OMIM 180200, HP:0009919. Disease mechanism: loss of function. Inheritance: Both sporadic and heritable forms are tested..

Submission:

St. Jude Molecular Pathology, St. Jude Children's Research Hospital
Classification: Uncertain significance for Retinoblastoma. Last evaluated: 2022-11-02. Review status: criteria provided, single submitter. Criteria: St. Jude Assertion Criteria 2020. Collection method: clinical testing. Allele origin: germline. Affected: yes.
Comment: The RB1 c.722del (p.Thr241LysfsTer23) change causes a frameshift and the creation of a premature stop codon. This change is predicted to cause protein truncation of absence of protein due to nonsense mediated decay. It has been reported in individuals with a personal and/or family history of retinoblastoma (internal data). It is absent in gnomAD v2.1.1. In summary, this variant meets criteria to be classified as pathogenic.

NM_000321.3(RB1):c.722del (p.Thr241fs)

Gene: RB1 (RB transcriptional corepressor 1; plus strand). Cytogenetic location: 13q14.2.
Variant type: Deletion.
Coding change: c.722del on transcript NM_000321.3 (MANE Select); coding-DNA position 722, one base deleted (C; older notation c.722delC).
Protein change: p.Thr241fs; shifts the reading frame from threonine 241.
Molecular consequence: frameshift variant.
Genome position (GRCh38, 1-based): chr13:48,362,818, C deleted. VCF-style (leftmost placement, unchanged base first): chr13-48362817-AC-A. GRCh37 (hg19) VCF-style: chr13-48936953-AC-A.
Other names: c.722delC, p.Thr241Lysfs (NM_000321.2, NM_001407165.1, NM_001407166.1); short protein forms T241fs.
Identifiers: ClinVar variation 2444894 (VCV002444894.1), dbSNP rs2542181860, ClinGen allele CA2580087579.